The following is an entry in ClinVar:

ClinVar aggregate classification (germline): Conflicting classifications of pathogenicity. Review status: criteria provided, conflicting classifications (1 of 4 stars). 3 submissions from 3 submitters: Uncertain significance (2); Likely benign (1). Last evaluated 2025-12-15.

Conditions:
Telangiectasia, hereditary hemorrhagic, type 1 (HHT1). Also called: Osler Weber Rendu syndrome type 1; ENG-Related Hereditary Hemorrhagic Telangiectasia. Identifiers: Orphanet 774, MedGen C4551861, MONDO:0008535, OMIM 187300. Disease mechanism: loss of function.
Cardiovascular phenotype. Identifiers: MedGen CN230736.
Hereditary hemorrhagic telangiectasia (HHT). Also called: ORW DISEASE; Osler Weber Rendu syndrome; OSLER-RENDU-WEBER DISEASE; Osler hemorrhagic telangiectasia syndrome. Identifiers: Orphanet 774, MedGen C0039445, MONDO:0019180. Disease mechanism: loss of function.

Submissions (3):

Ambry Genetics
Classification: Uncertain significance for Cardiovascular phenotype. Last evaluated: 2025-12-15. Review status: criteria provided, single submitter. Criteria: Ambry Variant Classification Scheme 2023. Collection method: clinical testing. Allele origin: germline.
Comment: The p.S228L variant (also known as c.683C>T), located in coding exon 5 of the ENG gene, results from a C to T substitution at nucleotide position 683. The serine at codon 228 is replaced by leucine, an amino acid with dissimilar properties. This amino acid position is conserved. In addition, this alteration is predicted to be tolerated by in silico analysis. Based on the available evidence, the clinical significance of this variant remains unclear.

Labcorp Genetics (formerly Invitae), Labcorp
Classification: Likely benign for Hereditary hemorrhagic telangiectasia. Last evaluated: 2025-09-24. Review status: criteria provided, single submitter. Criteria: Invitae Variant Classification Sherloc (09022015). Collection method: clinical testing. Allele origin: germline.

Neuberg Centre For Genomic Medicine, NCGM
Classification: Uncertain significance for Telangiectasia, hereditary hemorrhagic, type 1. Review status: criteria provided, single submitter. Criteria: ACMG Guidelines, 2015. Collection method: clinical testing. Allele origin: germline. Inheritance: Autosomal dominant inheritance. Affected: yes.
Comment: The observed missense c.683C>T(p.Ser228Leu) variant in ENG gene has not been reported previously as a pathogenic variant nor a benign variant, to our knowledge. The p.Ser228Leu variant has been reported with allele frequency of 0.001% in gnomAD Exomes. This variant has not been submitted to the ClinVar database. The amino acid Ser at position 228 is changed to a Leu changing protein sequence and it might alter its composition and physico-chemical properties. Computational evidence (Polyphen - Probably damaging, SIFT - Tolerated and MutationTaster - Polymorphism) predicts conflicting evidence on protein structure and function for this variant. For these reasons, this variant has been classified as a Variant of Uncertain Significance (VUS).

NM_001114753.3(ENG):c.683C>T (p.Ser228Leu)

Gene: ENG (endoglin; minus strand). Cytogenetic location: 9q34.11.
Variant type: single nucleotide variant.
Coding change: c.683C>T on transcript NM_001114753.3 (MANE Select); coding-DNA position 683, C replaced by T.
Protein change: p.Ser228Leu; replaces serine 228 with leucine.
Molecular consequence: missense variant.
Genome position (GRCh38, 1-based): chr9:127,825,701, G>A on the plus strand (C>T on the coding strand, the complement: ENG is on the minus strand). VCF-style: chr9-127825701-G-A. GRCh37 (hg19) VCF-style: chr9-130587980-G-A.
Other names: c.683C>T (NM_001114753.1); c.683C>T, p.Ser228Leu (NM_000118.4, NM_001406715.1); c.137C>T, p.Ser46Leu (NM_001278138.2); short protein forms S228L, S46L.
Identifiers: ClinVar variation 3242124 (VCV003242124.3), dbSNP rs1452543778.